The following is an entry in ClinVar:

NM_001148.6(ANK2):c.4018A>G (p.Ile1340Val)

Gene: ANK2 (ankyrin 2; plus strand). Cytogenetic location: 4q26.
Variant type: single nucleotide variant.
Coding change: c.4018A>G on transcript NM_001148.6 (MANE Select); coding-DNA position 4018, A replaced by G.
Protein change: p.Ile1340Val; replaces isoleucine 1340 with valine.
Molecular consequence: missense variant.
Genome position (GRCh38, 1-based): chr4:113,341,812, A>G. VCF-style: chr4-113341812-A-G. GRCh37 (hg19) VCF-style: chr4-114262968-A-G.
Other names: c.3991A>G, p.Ile1331Val (NM_001127493.3); c.4030A>G, p.Ile1344Val (NM_001354225.2); c.3919A>G, p.Ile1307Val (NM_001354228.2, NM_001354258.2); c.3997A>G, p.Ile1333Val (NM_001354230.2); c.4060A>G, p.Ile1354Val (NM_001354231.2, NM_001354242.2); c.4054A>G, p.Ile1352Val (NM_001354232.2); c.4015A>G, p.Ile1339Val (NM_001354235.2, NM_001354246.2, NM_001354265.2); c.3916A>G, p.Ile1306Val (NM_001354236.2); and 31 more; short protein forms I1179V, I1212V, I1240V, I1245V, I1253V, I1265V, I1269V, I1273V.
Identifiers: ClinVar variation 1064163 (VCV001064163.5), dbSNP rs2094332851, ClinGen allele CA357909729.

ClinVar aggregate classification (germline): Uncertain significance (1 of 4 stars; one submission).

Conditions:
Long QT syndrome (LQTS). Identifiers: MedGen C0023976, MeSH D008133, MONDO:0002442. Disease mechanism: loss of function. Inheritance: Various modes of inheritance.

Allele frequency attached by ClinVar (database versions not stated): TOPMed below 0.00001.

Submission:

Labcorp Genetics (formerly Invitae), Labcorp
Classification: Uncertain significance for Long QT syndrome. Last evaluated: 2024-12-25. Review status: criteria provided, single submitter. Criteria: Invitae Variant Classification Sherloc (09022015). Collection method: clinical testing. Allele origin: germline.
Comment: This sequence change replaces isoleucine, which is neutral and non-polar, with valine, which is neutral and non-polar, at codon 1340 of the ANK2 protein (p.Ile1340Val). This variant is not present in population databases (gnomAD no frequency). This variant has not been reported in the literature in individuals affected with ANK2-related conditions. ClinVar contains an entry for this variant (Variation ID: 1064163). Invitae Evidence Modeling of protein sequence and biophysical properties (such as structural, functional, and spatial information, amino acid conservation, physicochemical variation, residue mobility, and thermodynamic stability) indicates that this missense variant is not expected to disrupt ANK2 protein function with a negative predictive value of 80%. In summary, the available evidence is currently insufficient to determine the role of this variant in disease. Therefore, it has been classified as a Variant of Uncertain Significance.